The following is an entry in ClinVar:

ClinVar aggregate classification (germline): Uncertain significance (1 of 4 stars; one submission).

Submission:

Labcorp Genetics (formerly Invitae), Labcorp
Classification: Uncertain significance. Last evaluated: 2023-05-08. Review status: criteria provided, single submitter. Criteria: Invitae Variant Classification Sherloc (09022015). Collection method: clinical testing. Allele origin: germline.
Comment: This sequence change replaces glycine, which is neutral and non-polar, with aspartic acid, which is acidic and polar, at codon 101 of the ADAMTSL4 protein (p.Gly101Asp). This variant is not present in population databases (gnomAD no frequency). This variant has not been reported in the literature in individuals affected with ADAMTSL4-related conditions. ClinVar contains an entry for this variant (Variation ID: 2063595). Advanced modeling of protein sequence and biophysical properties (such as structural, functional, and spatial information, amino acid conservation, physicochemical variation, residue mobility, and thermodynamic stability) performed at Invitae indicates that this missense variant is not expected to disrupt ADAMTSL4 protein function. In summary, the available evidence is currently insufficient to determine the role of this variant in disease. Therefore, it has been classified as a Variant of Uncertain Significance.

NM_019032.6(ADAMTSL4):c.302G>A (p.Gly101Asp)

Genes: ADAMTSL4 (ADAMTS like 4; plus strand), ADAMTSL4-AS2 (ADAMTSL4 antisense RNA 2; minus strand). Cytogenetic location: 1q21.2.
Variant type: single nucleotide variant.
Coding change: c.302G>A on transcript NM_019032.6 (MANE Select); coding-DNA position 302, G replaced by A.
Protein change: p.Gly101Asp; replaces glycine 101 with aspartic acid.
Molecular consequence: missense variant.
Genome position (GRCh38, 1-based): chr1:150,553,121, G>A. VCF-style: chr1-150553121-G-A. GRCh37 (hg19) VCF-style: chr1-150525597-G-A.
Other names: c.302G>A, p.Gly101Asp (NM_001288607.2, NM_001288608.2, NM_001378596.1 and 1 more transcripts); short protein forms G101D.
Identifiers: ClinVar variation 2063595 (VCV002063595.4), dbSNP rs2526589589, ClinGen allele CA342299618.